The following is an entry in ClinVar:

ClinVar aggregate classification (germline): Uncertain significance (1 of 4 stars; one submission).

Conditions:
Hereditary cancer-predisposing syndrome. Also called: Hereditary Cancer Syndrome; Tumor predisposition; Neoplastic Syndromes, Hereditary; Hereditary neoplastic syndrome. Identifiers: Orphanet 140162, MedGen C0027672, MeSH D009386, MONDO:0015356.

Submission:

Ambry Genetics
Classification: Uncertain significance for Hereditary cancer-predisposing syndrome. Last evaluated: 2026-02-11. Review status: criteria provided, single submitter. Criteria: Ambry Variant Classification Scheme 2023. Collection method: clinical testing. Allele origin: germline.
Comment: The c.522+4A>G intronic variant results from an A to G substitution 4 nucleotides after coding exon 3 in the CDK4 gene. This nucleotide position is well conserved in available vertebrate species. In silico splice site analysis predicts that this alteration may result in the creation or strengthening of a novel splice donor site. Based on the available evidence, the clinical significance of this variant remains unclear.

NM_000075.4(CDK4):c.522+4A>G

Gene: CDK4 (cyclin dependent kinase 4; minus strand). Cytogenetic location: 12q14.1.
Variant type: single nucleotide variant.
Coding change: c.522+4A>G on transcript NM_000075.4 (MANE Select); 4 bases into the intron after coding-DNA position 522, A replaced by G.
Molecular consequence: intron variant.
Genome position (GRCh38, 1-based): chr12:57,750,919, T>C on the plus strand (A>G on the coding strand, the complement: CDK4 is on the minus strand). VCF-style: chr12-57750919-T-C. GRCh37 (hg19) VCF-style: chr12-58144702-T-C.
Identifiers: ClinVar variation 825564 (VCV000825564.5), dbSNP rs1595110395, ClinGen allele CA915948426.